The following is an entry in ClinVar:

NM_000136.3(FANCC):c.718G>A (p.Val240Ile)

Genes: AOPEP (aminopeptidase O (putative); plus strand), FANCC (FA complementation group C; minus strand). Cytogenetic location: 9q22.32.
Variant type: single nucleotide variant.
Coding change: c.718G>A on transcript NM_000136.3 (MANE Select); coding-DNA position 718, G replaced by A.
Protein change: p.Val240Ile; replaces valine 240 with isoleucine.
Molecular consequence: missense variant.
Genome position (GRCh38, 1-based): chr9:95,135,471, C>T on the plus strand (G>A on the coding strand, the complement: FANCC is on the minus strand). VCF-style: chr9-95135471-C-T. GRCh37 (hg19) VCF-style: chr9-97897753-C-T.
Other names: c.718G>A, p.Val240Ile (NM_001243743.2, NM_001243744.2); short protein forms V240I.
Identifiers: ClinVar variation 1398422 (VCV001398422.9), dbSNP rs866787972, ClinGen allele CA374109435.
Genomic context (GRCh38, chr9:95,135,471, plus strand): 5'-TTTCAAAAAGATGCAGCATTGCTTTTTCAAGGCTGGGAAGGTGCCGAAGCCAGAGGCAGA[C>T]TACAGCTGACATGGGGAGAGAAATCTTCTTCCTTTCAGAAAGAAATAAACAAAATTTTAA-3'
Protein context (NP_000127.2, residues 230-250): KKISLPMSAV[Val240Ile]CLWLRHLPSL

ClinVar aggregate classification (germline): Uncertain significance. Review status: criteria provided, multiple submitters, no conflicts (2 of 4 stars). 3 submissions from 3 submitters: Uncertain significance (3). Last evaluated 2025-09-08.

Conditions:
Fanconi anemia (FA). Also called: Fanconi's anemia. Identifiers: Orphanet 84, MedGen C0015625, MeSH D005199, MONDO:0019391.
Hereditary cancer-predisposing syndrome. Also called: Hereditary Cancer Syndrome; Hereditary neoplastic syndrome; Tumor predisposition; Neoplastic Syndromes, Hereditary. Identifiers: Orphanet 140162, MedGen C0027672, MeSH D009386, MONDO:0015356.

Allele frequency attached by ClinVar (database versions not stated): TOPMed 0.00001.

Submissions (3):

Quest Diagnostics Nichols Institute San Juan Capistrano
Classification: Uncertain significance. Last evaluated: 2025-09-08. Review status: criteria provided, single submitter. Criteria: Quest Diagnostics criteria. Collection method: clinical testing. Allele origin: unknown.
Comment: The FANCC c.718G>A (p.Val240Ile) variant has not been reported in individuals with FANCC-related conditions in the published literature. This variant has not been reported in large, multi-ethnic general populations (Genome Aggregation Database). Analysis of this variant using bioinformatics tools for the prediction of the effect of amino acid changes on protein structure and function yielded predictions that this variant is benign. Based on the available information, we are unable to determine the clinical significance of this variant.

Ambry Genetics
Classification: Uncertain significance for Hereditary cancer-predisposing syndrome. Last evaluated: 2025-08-07. Review status: criteria provided, single submitter. Criteria: Ambry Variant Classification Scheme 2023. Collection method: clinical testing. Allele origin: germline.
Comment: The p.V240I variant (also known as c.718G>A), located in coding exon 7 of the FANCC gene, results from a G to A substitution at nucleotide position 718. The valine at codon 240 is replaced by isoleucine, an amino acid with highly similar properties. This amino acid position is conserved. In addition, this alteration is predicted to be tolerated by in silico analysis. Since supporting evidence is limited at this time, the clinical significance of this alteration remains unclear.

Labcorp Genetics (formerly Invitae), Labcorp
Classification: Uncertain significance for Fanconi anemia. Last evaluated: 2021-09-01. Review status: criteria provided, single submitter. Criteria: Invitae Variant Classification Sherloc (09022015). Collection method: clinical testing. Allele origin: germline.
Comment: This sequence change replaces valine with isoleucine at codon 240 of the FANCC protein (p.Val240Ile). The valine residue is moderately conserved and there is a small physicochemical difference between valine and isoleucine. This variant is not present in population databases (ExAC no frequency). This variant has not been reported in the literature in individuals affected with FANCC-related conditions. Algorithms developed to predict the effect of missense changes on protein structure and function output the following: SIFT: "Tolerated"; PolyPhen-2: "Benign"; Align-GVGD: "Class C0". The isoleucine amino acid residue is found in multiple mammalian species, which suggests that this missense change does not adversely affect protein function. In summary, the available evidence is currently insufficient to determine the role of this variant in disease. Therefore, it has been classified as a Variant of Uncertain Significance.